The following is an entry in ClinVar:

NM_015346.4(ZFYVE26):c.1051_1052insCATTCCA (p.Phe351fs)

Gene: ZFYVE26 (zinc finger FYVE-type containing 26; minus strand). Cytogenetic location: 14q24.1.
Variant type: Insertion.
Coding change: c.1051_1052insCATTCCA on transcript NM_015346.4 (MANE Select); coding-DNA positions 1051 to 1052, CATTCCA inserted.
Protein change: p.Phe351fs; shifts the reading frame from phenylalanine 351.
Molecular consequence: frameshift variant.
Genome position: GRCh38 VCF-style: chr14-67805584-A-ATGGAATG. GRCh37 (hg19) VCF-style: chr14-68272301-A-ATGGAATG.
Other names: short protein forms F351fs.
Identifiers: ClinVar variation 1725847 (VCV001725847.2), dbSNP rs2502874717, ClinGen allele CA2580088701.

ClinVar aggregate classification (germline): Likely pathogenic (1 of 4 stars; one submission).

Conditions:
Hereditary spastic paraplegia 15 (SPG15). Also called: SPASTIC PARAPLEGIA 15, AUTOSOMAL RECESSIVE; KJELLIN SYNDROME; SPASTIC PARAPLEGIA AND RETINAL DEGENERATION. Identifiers: Orphanet 100996, MedGen C1849128, MONDO:0010044, OMIM 270700.

Submission:

Myriad Genetics, Inc.
Classification: Likely pathogenic for Hereditary spastic paraplegia 15. Last evaluated: 2022-04-03. Review status: criteria provided, single submitter. Criteria: Myriad Women's Health Autosomal Recessive and X-Linked Classification Criteria (2021). Collection method: clinical testing. Allele origin: unknown.
Comment: NM_015346.3(ZFYVE26):c.1051_1052ins7(F351Sfs*11) is expected to be pathogenic in the context of spastic paraplegia type 15. This variant is predicted to lead to an abnormal or absent protein product due to the creation of a premature termination codon in ZFYVE26, a gene where loss-of-function variants are known to be pathogenic. Please note: this variant was assessed in the context of healthy population screening.